The following is an entry in ClinVar:

ClinVar aggregate classification (germline): Uncertain significance (1 of 4 stars; one submission).

gnomAD v4.1: 1 of 1,550,348 alleles (0.000065%); highest among the groups gnomAD compares: Non-Finnish European, 0.000087%; no homozygotes.

Submission:

GeneDx
Classification: Uncertain significance. Last evaluated: 2025-02-11. Review status: criteria provided, single submitter. Criteria: GeneDx Variant Classification Process June 2021. Collection method: clinical testing. Allele origin: germline. Affected: yes.
Comment: Not observed at significant frequency in large population cohorts (gnomAD); In silico analysis supports that this missense variant has a deleterious effect on protein structure/function; Has not been previously published as pathogenic or benign to our knowledge

NM_001292063.2(OTOG):c.7883A>G (p.Tyr2628Cys)

Gene: OTOG (otogelin; plus strand). Cytogenetic location: 11p15.1.
Variant type: single nucleotide variant.
Coding change: c.7883A>G on transcript NM_001292063.2 (MANE Select); coding-DNA position 7883, A replaced by G.
Protein change: p.Tyr2628Cys; replaces tyrosine 2628 with cysteine.
Molecular consequence: missense variant.
Genome position (GRCh38, 1-based): chr11:17,638,538, A>G. VCF-style: chr11-17638538-A-G. GRCh37 (hg19) VCF-style: chr11-17660085-A-G.
Other names: c.7919A>G, p.Tyr2640Cys (NM_001277269.2); short protein forms Y2628C, Y2640C.
Identifiers: ClinVar variation 4074681 (VCV004074681.1).
Genomic context (GRCh38, chr11:17,638,538, plus strand): 5'-TGCAGTGTGGCCTGGGCACTGCCCTGGTGGAGGTGTGGAGCCCCGACCGCTGCTGCCCCT[A>G]CAAATCCTGTGGTGAGTCCGTGGTCAGGACAGCCTCCCCGCTGGGAGATCCAGTGGCCCT-3'
Protein context (NP_001278992.1, residues 2618-2638): EVWSPDRCCP[Tyr2628Cys]KSCECDCDTI